The following is an entry in ClinVar:

ClinVar aggregate classification (germline): Pathogenic. Review status: criteria provided, single submitter (1 of 4 stars). 2 submissions from 2 submitters: Pathogenic (1). 1 of the submissions does not count toward it. Last evaluated 2021-04-03.

Conditions:
3M syndrome 2. Also called: 3-M Syndrome, OBSL1-Related; THREE M SYNDROME 2. Identifiers: Orphanet 2616, MedGen C2752041, MONDO:0013039, OMIM 612921.

Allele frequency attached by ClinVar (database versions not stated): gnomAD exomes below 0.00001.
gnomAD v4.1: 2 of 1,612,666 alleles (0.00012%); highest among the groups gnomAD compares: Non-Finnish European, 0.00017%; no homozygotes.

Submissions (2):

Labcorp Genetics (formerly Invitae), Labcorp
Classification: Pathogenic. Last evaluated: 2021-04-03. Review status: criteria provided, single submitter. Criteria: Invitae Variant Classification Sherloc (09022015). Collection method: clinical testing. Allele origin: germline.
Comment: For these reasons, this variant has been classified as Pathogenic. This variant has been observed in individual(s) with 3-M syndrome (PMID: 19481195). ClinVar contains an entry for this variant (Variation ID: 1046). This variant is not present in population databases (ExAC no frequency). This sequence change creates a premature translational stop signal (p.Cys383*) in the OBSL1 gene. It is expected to result in an absent or disrupted protein product. Loss-of-function variants in OBSL1 are known to be pathogenic (PMID: 19481195, 19877176).

OMIM
Classification: Pathogenic for THREE M SYNDROME 2. Last evaluated: 2009-06-01. Review status: no assertion criteria provided. Collection method: literature only. Allele origin: germline. Not counted in ClinVar's aggregate classification.

Literature cited by the submitters: PubMed 19481195 (cited by Labcorp Genetics (formerly Invitae), Labcorp and OMIM); PubMed 19877176 (cited by Labcorp Genetics (formerly Invitae), Labcorp).

NM_015311.3(OBSL1):c.1149C>A (p.Cys383Ter)

Gene: OBSL1 (obscurin like cytoskeletal adaptor 1; minus strand). Cytogenetic location: 2q35.
Variant type: single nucleotide variant.
Coding change: c.1149C>A on transcript NM_015311.3 (MANE Select); coding-DNA position 1149, C replaced by A.
Protein change: p.Cys383Ter; replaces cysteine 383 with a stop codon.
Molecular consequence: nonsense.
Genome position (GRCh38, 1-based): chr2:219,568,188, G>T on the plus strand (C>A on the coding strand, the complement: OBSL1 is on the minus strand). VCF-style: chr2-219568188-G-T. GRCh37 (hg19) VCF-style: chr2-220432910-G-T.
Other names: c.1149C>A, p.Cys383Ter (NM_001173431.2, NM_001173408.2); short protein forms C383*.
Identifiers: ClinVar variation 1046 (VCV000001046.8), dbSNP rs121918215, ClinGen allele CA251672.